The following is an entry in ClinVar:

NM_001987.5(ETV6):c.1185_1187del (p.Arg396del)

Gene: ETV6 (ETS variant transcription factor 6; plus strand). Cytogenetic location: 12p13.2.
Variant type: Deletion.
Coding change: c.1185_1187del on transcript NM_001987.5 (MANE Select); coding-DNA positions 1185 to 1187, 3 bases deleted (CAG; older notation c.1185_1187delCAG).
Protein change: p.Arg396del; deletes arginine 396.
Molecular consequence: inframe deletion. On other transcripts: intron variant (1).
Genome position (GRCh38, 1-based): chr12:11,885,958-11,885,960, CAG deleted. VCF-style (leftmost placement, unchanged base first): chr12-11885957-CCAG-C. GRCh37 (hg19) VCF-style: chr12-12038891-CCAG-C.
Other names: c.1182_1184del, p.Arg395del (NM_001413913.1); c.1158_1160del, p.Arg387del (NM_001413914.1); c.921_923del, p.Arg308del (NM_001413915.1); c.1010-4983_1010-4981del (NM_001413917.1); short protein forms R395del, R396del, R308del, R387del.
Identifiers: ClinVar variation 4736095 (VCV004736095.1).

ClinVar aggregate classification (germline): Uncertain significance (1 of 4 stars; one submission).

Submission:

Labcorp Genetics (formerly Invitae), Labcorp
Classification: Uncertain significance. Last evaluated: 2026-01-24. Review status: criteria provided, single submitter. Criteria: Invitae Variant Classification Sherloc (09022015). Collection method: clinical testing. Allele origin: germline.
Comment: This variant, c.1185_1187del, results in the deletion of 1 amino acid(s) of the ETV6 protein (p.Arg396del), but otherwise preserves the integrity of the reading frame. This variant is not present in population databases (gnomAD no frequency). This variant has not been reported in the literature in individuals affected with ETV6-related conditions. Experimental studies and prediction algorithms are not available or were not evaluated, and the functional significance of this variant is currently unknown. In summary, the available evidence is currently insufficient to determine the role of this variant in disease. Therefore, it has been classified as a Variant of Uncertain Significance.